The following is an entry in ClinVar:

NM_000117.3(EMD):c.325G>C (p.Glu109Gln)

Gene: EMD (emerin; plus strand). Cytogenetic location: Xq28.
Variant type: single nucleotide variant.
Coding change: c.325G>C on transcript NM_000117.3 (MANE Select); coding-DNA position 325, G replaced by C.
Protein change: p.Glu109Gln; replaces glutamic acid 109 with glutamine.
Molecular consequence: missense variant.
Genome position (GRCh38, 1-based): chrX:154,380,293, G>C. VCF-style: chrX-154380293-G-C. GRCh37 (hg19) VCF-style: chrX-153608653-G-C.
Other names: short protein forms E109Q.
Identifiers: ClinVar variation 1729518 (VCV001729518.2), dbSNP rs1389614441, ClinGen allele CA415257918.

ClinVar aggregate classification (germline): Uncertain significance (1 of 4 stars; one submission).

Conditions:
Cardiovascular phenotype. Identifiers: MedGen CN230736.

Submission:

Ambry Genetics
Classification: Uncertain significance for Cardiovascular phenotype. Last evaluated: 2022-10-03. Review status: criteria provided, single submitter. Criteria: Ambry Variant Classification Scheme 2023. Collection method: clinical testing. Allele origin: germline.
Comment: The p.E109Q variant (also known as c.325G>C), located in coding exon 4 of the EMD gene, results from a G to C substitution at nucleotide position 325. The glutamic acid at codon 109 is replaced by glutamine, an amino acid with highly similar properties. This amino acid position is well conserved in available vertebrate species. In addition, this alteration is predicted to be tolerated by in silico analysis. Since supporting evidence is limited at this time, the clinical significance of this alteration remains unclear.